The following is an entry in ClinVar:

NM_000038.6(APC):c.6386C>T (p.Ser2129Leu)

Gene: APC (APC regulator of Wnt signaling pathway; plus strand). Cytogenetic location: 5q22.2.
Variant type: single nucleotide variant.
Coding change: c.6386C>T on transcript NM_000038.6 (MANE Select); coding-DNA position 6386, C replaced by T.
Protein change: p.Ser2129Leu; replaces serine 2129 with leucine.
Molecular consequence: missense variant.
Genome position (GRCh38, 1-based): chr5:112,841,980, C>T. VCF-style: chr5-112841980-C-T. GRCh37 (hg19) VCF-style: chr5-112177677-C-T.
Other names: c.6386C>T, p.Ser2129Leu (NM_001127510.3, NM_001354895.2); c.6332C>T, p.Ser2111Leu (NM_001127511.3); c.6440C>T, p.Ser2147Leu (NM_001354896.2); c.6416C>T, p.Ser2139Leu (NM_001354897.2); c.6311C>T, p.Ser2104Leu (NM_001354898.2); c.6302C>T, p.Ser2101Leu (NM_001354899.2); c.6263C>T, p.Ser2088Leu (NM_001354900.2); c.6209C>T, p.Ser2070Leu (NM_001354901.2); and 5 more; short protein forms S2111L, S2129L, S2038L, S2088L, S2003L, S2028L, S2139L, S2070L.
Identifiers: ClinVar variation 142197 (VCV000142197.53), dbSNP rs587782301, ClinGen allele CA011149.

ClinVar aggregate classification (germline): Uncertain significance. Review status: criteria provided, multiple submitters, no conflicts (2 of 4 stars). 5 submissions from 5 submitters: Uncertain significance (5). Last evaluated 2025-09-22.

Conditions:
Hereditary cancer-predisposing syndrome. Also called: Tumor predisposition; Hereditary neoplastic syndrome; Hereditary Cancer Syndrome; Neoplastic Syndromes, Hereditary. Identifiers: Orphanet 140162, MedGen C0027672, MeSH D009386, MONDO:0015356.
Familial adenomatous polyposis 1 (FAP1). Also called: POLYPOSIS, ADENOMATOUS INTESTINAL; FAMILIAL ADENOMATOUS POLYPOSIS 1, ATTENUATED. Identifiers: MedGen C2713442, MONDO:0021056, OMIM 175100. Disease mechanism: loss of function.

Allele frequency attached by ClinVar (database versions not stated): gnomAD exomes below 0.00001; ExAC 0.00001.
gnomAD v4.1: 4 of 1,613,028 alleles (0.00025%); highest among the groups gnomAD compares: Non-Finnish European, 0.00034%; no homozygotes.

Submissions (5):

Labcorp Genetics (formerly Invitae), Labcorp
Classification: Uncertain significance for Familial adenomatous polyposis 1. Last evaluated: 2025-09-22. Review status: criteria provided, single submitter. Criteria: Invitae Variant Classification Sherloc (09022015). Collection method: clinical testing. Allele origin: germline.
Comment: This sequence change replaces serine, which is neutral and polar, with leucine, which is neutral and non-polar, at codon 2129 of the APC protein (p.Ser2129Leu). This variant is present in population databases (rs587782301, gnomAD 0.006%). This variant has not been reported in the literature in individuals affected with APC-related conditions. ClinVar contains an entry for this variant (Variation ID: 142197). Invitae Evidence Modeling of protein sequence and biophysical properties (such as structural, functional, and spatial information, amino acid conservation, physicochemical variation, residue mobility, and thermodynamic stability) has been performed for this missense variant. However, the output from this modeling did not meet the statistical confidence thresholds required to predict the impact of this variant on APC protein function. In summary, the available evidence is currently insufficient to determine the role of this variant in disease. Therefore, it has been classified as a Variant of Uncertain Significance.

Ambry Genetics
Classification: Uncertain significance for Hereditary cancer-predisposing syndrome. Last evaluated: 2024-02-22. Review status: criteria provided, single submitter. Criteria: Ambry Variant Classification Scheme 2023. Collection method: clinical testing. Allele origin: germline.
Comment: The p.S2129L variant (also known as c.6386C>T), located in coding exon 15 of the APC gene, results from a C to T substitution at nucleotide position 6386. The serine at codon 2129 is replaced by leucine, an amino acid with dissimilar properties. This amino acid position is highly conserved in available vertebrate species. In addition, in silico predictors for this gene do not accurately predict pathogenicity. Since supporting evidence is limited at this time, the clinical significance of this alteration remains unclear.

Color Diagnostics, LLC DBA Color Health
Classification: Uncertain significance for Hereditary cancer-predisposing syndrome. Last evaluated: 2022-01-25. Review status: criteria provided, single submitter. Criteria: ACMG Guidelines, 2015. Collection method: clinical testing. Allele origin: germline.
Comment: This missense variant replaces serine with leucine at codon 2129 of the APC protein. Computational prediction is inconclusive regarding the impact of this variant on protein structure and function (internally defined REVEL score threshold 0.5 < inconclusive < 0.7, PMID: 27666373). To our knowledge, functional studies have not been reported for this variant. This variant has not been reported in individuals affected with hereditary cancer in the literature. This variant has been identified in 1/250878 chromosomes in the general population by the Genome Aggregation Database (gnomAD). The available evidence is insufficient to determine the role of this variant in disease conclusively. Therefore, this variant is classified as a Variant of Uncertain Significance.

Sema4
Classification: Uncertain significance for Hereditary cancer-predisposing syndrome. Last evaluated: 2021-10-21. Review status: criteria provided, single submitter. Criteria: Sema4 Curation Guidelines. Collection method: curation. Allele origin: germline.
Comment: The APC c.6386C>T (p.S2129L) variant has not been reported in the literature to our knowledge. It was observed in 1/18380 chromosomes of the East Asian subpopulation in the large and broad cohorts of the Genome Aggregation Database (PMID: 32461654). The variant has been reported in ClinVar (Variation ID 142197). Functional studies have not been performed, and in silico predictions of the variant's effect on protein function are inconclusive. The evidence is insufficient to meet ACMG/AMP criteria for classifying the variant as benign or pathogenic. Thus, the clinical significance of this variant is currently uncertain.

CeGaT Center for Human Genetics Tuebingen
Classification: Uncertain significance. Last evaluated: 2020-05-01. Review status: criteria provided, single submitter. Criteria: CeGaT Center For Human Genetics Tuebingen Variant Classification Criteria Version 2. Collection method: clinical testing. Allele origin: germline. Affected: yes. Observed: 1 variant allele.